The following is an entry in ClinVar:

ClinVar aggregate classification (germline): Uncertain significance. Review status: criteria provided, multiple submitters, no conflicts (2 of 4 stars). 2 submissions from 2 submitters: Uncertain significance (2). Last evaluated 2026-01-08.

Conditions:
Hypertrophic cardiomyopathy. Also called: HYPERTROPHIC MYOCARDIOPATHY. Identifiers: Orphanet 217569, MedGen C0007194, MeSH D002312, MONDO:0005045, HP:0001639.

Allele frequency attached by ClinVar (database versions not stated): gnomAD 0.00005 and 0.00006; gnomAD exomes 0.00006; ExAC 0.00007; ESP Exome Variant Server 0.00016.
gnomAD v4.1: 60 of 1,613,810 alleles (0.0037%); highest among the groups gnomAD compares: South Asian, 0.011%; no homozygotes.

Submissions (2):

Labcorp Genetics (formerly Invitae), Labcorp
Classification: Uncertain significance for Hypertrophic cardiomyopathy. Last evaluated: 2026-01-08. Review status: criteria provided, single submitter. Criteria: Invitae Variant Classification Sherloc (09022015). Collection method: clinical testing. Allele origin: germline.
Comment: This sequence change replaces valine, which is neutral and non-polar, with isoleucine, which is neutral and non-polar, at codon 777 of the MYOM1 protein (p.Val777Ile). This variant is present in population databases (rs372147749, gnomAD 0.03%). This variant has not been reported in the literature in individuals affected with MYOM1-related conditions. ClinVar contains an entry for this variant (Variation ID: 1428452). Invitae Evidence Modeling of protein sequence and biophysical properties (such as structural, functional, and spatial information, amino acid conservation, physicochemical variation, residue mobility, and thermodynamic stability) indicates that this missense variant is not expected to disrupt MYOM1 protein function with a negative predictive value of 80%. In summary, the available evidence is currently insufficient to determine the role of this variant in disease. Therefore, it has been classified as a Variant of Uncertain Significance.

Ambry Genetics
Classification: Uncertain significance. Last evaluated: 2025-05-20. Review status: criteria provided, single submitter. Criteria: Ambry Variant Classification Scheme 2023. Collection method: clinical testing. Allele origin: germline.

NM_003803.4(MYOM1):c.2329G>A (p.Val777Ile)

Gene: MYOM1 (myomesin 1; minus strand). Cytogenetic location: 18p11.31.
Variant type: single nucleotide variant.
Coding change: c.2329G>A on transcript NM_003803.4 (MANE Select); coding-DNA position 2329, G replaced by A.
Protein change: p.Val777Ile; replaces valine 777 with isoleucine.
Molecular consequence: missense variant.
Genome position (GRCh38, 1-based): chr18:3,134,705, C>T on the plus strand (G>A on the coding strand, the complement: MYOM1 is on the minus strand). VCF-style: chr18-3134705-C-T. GRCh37 (hg19) VCF-style: chr18-3134703-C-T.
Other names: c.2329G>A (NM_003803.3); c.2329G>A, p.Val777Ile (NM_019856.2); short protein forms V777I.
Identifiers: ClinVar variation 1428452 (VCV001428452.7), dbSNP rs372147749, ClinGen allele CA8874680.